The following is an entry in ClinVar:

NM_000388.4(CASR):c.2161C>T (p.Leu721Phe)

Gene: CASR (calcium sensing receptor; plus strand). Cytogenetic location: 3q21.1.
Variant type: single nucleotide variant.
Coding change: c.2161C>T on transcript NM_000388.4 (MANE Select); coding-DNA position 2161, C replaced by T.
Protein change: p.Leu721Phe; replaces leucine 721 with phenylalanine.
Molecular consequence: missense variant.
Genome position (GRCh38, 1-based): chr3:122,284,115, C>T. VCF-style: chr3-122284115-C-T. GRCh37 (hg19) VCF-style: chr3-122002962-C-T.
Other names: c.2191C>T, p.Leu731Phe (NM_001178065.2); short protein forms L721F, L731F.
Identifiers: ClinVar variation 651366 (VCV000651366.14), dbSNP rs942603230, ClinGen allele CA82748777.

ClinVar aggregate classification (germline): Uncertain significance. Review status: criteria provided, multiple submitters, no conflicts (2 of 4 stars). 3 submissions from 3 submitters: Uncertain significance (3). Last evaluated 2023-06-02.

Conditions:
Neonatal severe primary hyperparathyroidism. Identifiers: Orphanet 417, MedGen C1832615, MONDO:0009397, OMIM 239200.
Familial hypocalciuric hypercalcemia 1. Also called: Hypercalcemia, familial benign type 1. Identifiers: Orphanet 405, Orphanet 93372, MedGen C0342637, MONDO:0007791, OMIM 145980.
Autosomal dominant hypocalcemia 1 (HYPOC1). Also called: HYPOCALCEMIA, FAMILIAL. Identifiers: MedGen C3715128, MONDO:0011013, OMIM 601198.
Epilepsy, idiopathic generalized, susceptibility to, 8. Identifiers: MedGen C2752062, MONDO:0013032, OMIM 612899.
Familial hypocalciuric hypercalcemia (FHH). Also called: Familial benign hypercalcemia. Identifiers: Orphanet 405, MedGen C1809471, MONDO:0018458.
Nephrolithiasis/nephrocalcinosis. Identifiers: MedGen CN580796.

Allele frequency attached by ClinVar (database versions not stated): gnomAD exomes below 0.00001; TOPMed 0.00001; gnomAD 0.00002.
gnomAD v4.1: 4 of 1,613,906 alleles (0.00025%); highest among the groups gnomAD compares: African/African-American, 0.004%; no homozygotes.

Submissions (3):

Labcorp Genetics (formerly Invitae), Labcorp
Classification: Uncertain significance for Familial hypocalciuric hypercalcemia; Autosomal dominant hypocalcemia 1. Last evaluated: 2023-06-02. Review status: criteria provided, single submitter. Criteria: Invitae Variant Classification Sherloc (09022015). Collection method: clinical testing. Allele origin: germline.
Comment: In summary, the available evidence is currently insufficient to determine the role of this variant in disease. Therefore, it has been classified as a Variant of Uncertain Significance. An algorithm developed to predict the effect of missense changes on protein structure and function (PolyPhen-2) suggests that this variant is likely to be disruptive. ClinVar contains an entry for this variant (Variation ID: 651366). This variant has not been reported in the literature in individuals affected with CASR-related conditions. This variant is present in population databases (no rsID available, gnomAD 0.008%). This sequence change replaces leucine, which is neutral and non-polar, with phenylalanine, which is neutral and non-polar, at codon 721 of the CASR protein (p.Leu721Phe).

Fulgent Genetics
Classification: Uncertain significance for Familial hypocalciuric hypercalcemia 1; Neonatal severe primary hyperparathyroidism; Autosomal dominant hypocalcemia 1; Epilepsy, idiopathic generalized, susceptibility to, 8. Last evaluated: 2021-09-06. Review status: criteria provided, single submitter. Criteria: ACMG Guidelines, 2015. Collection method: clinical testing. Allele origin: unknown.

Ambry Genetics
Classification: Uncertain significance for Nephrolithiasis/nephrocalcinosis. Last evaluated: 2019-09-23. Review status: criteria provided, single submitter. Criteria: Ambry Variant Classification Scheme 2023. Collection method: clinical testing. Allele origin: germline.
Comment: The p.L721F variant (also known as c.2161C>T), located in coding exon 6 of the CASR gene, results from a C to T substitution at nucleotide position 2161. The leucine at codon 721 is replaced by phenylalanine, an amino acid with highly similar properties. This amino acid position is highly conserved in available vertebrate species. In addition, the in silico prediction for this alteration is inconclusive. Since supporting evidence is limited at this time, the clinical significance of this alteration remains unclear.